The following is an entry in ClinVar:

NM_024027.5(COLEC11):c.242G>A (p.Arg81His)

Gene: COLEC11 (collectin subfamily member 11; plus strand). Cytogenetic location: 2p25.3.
Variant type: single nucleotide variant.
Coding change: c.242G>A on transcript NM_024027.5 (MANE Select); coding-DNA position 242, G replaced by A.
Protein change: p.Arg81His; replaces arginine 81 with histidine.
Molecular consequence: missense variant. On other transcripts: non-coding transcript variant (1), intron variant (4).
Genome position (GRCh38, 1-based): chr2:3,637,572, G>A. VCF-style: chr2-3637572-G-A. GRCh37 (hg19) VCF-style: chr2-3685162-G-A.
Other names: c.170G>A, p.Arg57His (NM_001255982.2); c.284G>A, p.Arg95His (NM_001255985.1); c.164G>A, p.Arg55His (NM_001255986.1); c.92G>A, p.Arg31His (NM_001255987.1); c.233G>A, p.Arg78His (NM_199235.3); c.203-2706G>A (NM_001255983.2); c.131-2706G>A (NM_001255984.2); c.125-2706G>A (NM_001255988.1); and 1 more; short protein forms R55H, R95H, R57H, R31H, R78H, R81H.
Identifiers: ClinVar variation 2054245 (VCV002054245.30), dbSNP rs139694918, ClinGen allele CA1516946.
Genomic context (GRCh38, chr2:3,637,572, plus strand): 5'-TGCTCTTATTGTTTTCTACAGGAGACATGGGGGACAAAGGACAGAAAGGCAGTGTGGGTC[G>A]TCATGGAAAAATTGGTCCCATTGGCTCTAAAGGTATTTGCAATGCGATTCTTGCCTCATT-3'
Protein context (NP_076932.1, residues 71-91): GDKGQKGSVG[Arg81His]HGKIGPIGSK

ClinVar aggregate classification (germline): Likely benign. Review status: criteria provided, multiple submitters, no conflicts (2 of 4 stars). 4 submissions from 4 submitters: Likely benign (3). 1 of the submissions does not count toward it. Last evaluated 2025-10-01.

Conditions:
COLEC11-related disorder. Also called: COLEC11-related condition.
Inborn genetic diseases. Identifiers: MedGen C0950123, MeSH D030342.

Allele frequency attached by ClinVar (database versions not stated): gnomAD exomes 0.00018; ExAC 0.00025; ESP Exome Variant Server 0.00054; gnomAD 0.00065; 1000 Genomes Project 0.00080; 1000 Genomes Project 30x 0.00094.
gnomAD v4.1: 382 of 1,614,100 alleles (0.024%); highest among the groups gnomAD compares: African/African-American, 0.18%; 1 homozygote.

Submissions (4):

Labcorp Genetics (formerly Invitae), Labcorp
Classification: Likely benign. Last evaluated: 2025-10-01. Review status: criteria provided, single submitter. Criteria: Invitae Variant Classification Sherloc (09022015). Collection method: clinical testing. Allele origin: germline.

CeGaT Center for Human Genetics Tuebingen
Classification: Likely benign. Last evaluated: 2022-11-01. Review status: criteria provided, single submitter. Criteria: CeGaT Center For Human Genetics Tuebingen Variant Classification Criteria Version 2. Collection method: clinical testing. Allele origin: germline. Affected: yes. Observed: 1 variant allele.
Comment: COLEC11: BS1

Ambry Genetics
Classification: Likely benign for Inborn genetic diseases. Last evaluated: 2022-05-04. Review status: criteria provided, single submitter. Criteria: Ambry Variant Classification Scheme 2023. Collection method: clinical testing. Allele origin: germline.

PreventionGenetics, part of Exact Sciences
Classification: Likely benign for COLEC11-related condition. Last evaluated: 2022-07-06. Review status: no assertion criteria provided. Collection method: clinical testing. Allele origin: germline. Not counted in ClinVar's aggregate classification.
Comment: This variant is classified as likely benign based on ACMG/AMP sequence variant interpretation guidelines (Richards et al. 2015 PMID: 25741868, with internal and published modifications).